The following is an entry in ClinVar:

ClinVar aggregate classification (germline): Likely pathogenic (1 of 4 stars; one submission).

Submission:

Labcorp Genetics (formerly Invitae), Labcorp
Classification: Likely pathogenic. Last evaluated: 2023-03-01. Review status: criteria provided, single submitter. Criteria: Invitae Variant Classification Sherloc (09022015). Collection method: clinical testing. Allele origin: germline.
Comment: In summary, the currently available evidence indicates that the variant is pathogenic, but additional data are needed to prove that conclusively. Therefore, this variant has been classified as Likely Pathogenic. Algorithms developed to predict the effect of sequence changes on RNA splicing suggest that this variant may disrupt the consensus splice site. This variant has not been reported in the literature in individuals affected with TTC37-related conditions. This variant is not present in population databases (gnomAD no frequency). This variant results in the deletion of part of exon 36 (c.3691-32_3742del) of the TTC37 gene. It is expected to disrupt RNA splicing. Variants that disrupt the donor or acceptor splice site typically lead to a loss of protein function (PMID: 16199547), and loss-of-function variants in TTC37 are known to be pathogenic (PMID: 20176027, 21120949).

Literature cited by the submitters: PubMed 16199547; PubMed 20176027; PubMed 21120949.

NM_014639.4(SKIC3):c.3691-32_3742del

Gene: SKIC3 (SKI3 subunit of superkiller complex; minus strand). Cytogenetic location: 5q15.
Variant type: Deletion.
Coding change: c.3691-32_3742del on transcript NM_014639.4 (MANE Select); 32 bases into the intron before coding-DNA position 3691 through coding-DNA position 3742, 84 bases deleted.
Molecular consequence: splice acceptor variant.
Genome position (GRCh38, 1-based): chr5:95,494,742-95,494,825, 84 bases deleted. GRCh37 (hg19): chr5:94,830,450-94,830,533.
Identifiers: ClinVar variation 2841794 (VCV002841794.3), dbSNP rs2530712591, ClinGen allele CA2739274862.